The following is an entry in ClinVar:

NM_001009944.3(PKD1):c.6499A>G (p.Asn2167Asp)

Gene: PKD1 (polycystin 1, transient receptor potential channel interacting; minus strand). Cytogenetic location: 16p13.3.
Variant type: single nucleotide variant.
Coding change: c.6499A>G on transcript NM_001009944.3 (MANE Select); coding-DNA position 6499, A replaced by G.
Protein change: p.Asn2167Asp; replaces asparagine 2167 with aspartic acid.
Molecular consequence: missense variant.
Genome position (GRCh38, 1-based): chr16:2,108,668, T>C on the plus strand (A>G on the coding strand, the complement: PKD1 is on the minus strand). VCF-style: chr16-2108668-T-C. GRCh37 (hg19) VCF-style: chr16-2158669-T-C.
Other names: c.6499A>G, p.Asn2167Asp (NM_000296.4); short protein forms N2167D.
Identifiers: ClinVar variation 1177302 (VCV001177302.6), dbSNP rs2151787670, ClinGen allele CA394373442.

ClinVar aggregate classification (germline): Conflicting classifications of pathogenicity. Review status: criteria provided, conflicting classifications (1 of 4 stars). 3 submissions from 3 submitters: Likely pathogenic (1); Uncertain significance (2). Last evaluated 2025-06-18.

Conditions:
Polycystic kidney disease, adult type (PKD1). Also called: POLYCYSTIC KIDNEY DISEASE 1 WITH OR WITHOUT POLYCYSTIC LIVER DISEASE; POLYCYSTIC KIDNEY DISEASE, ADULT, TYPE I; Polycystic Kidney Disease 1, Autosomal Dominant; Polycystic kidney disease 1; Polycystic kidney disease 1, severe; Polycystic Kidney, Autosomal Dominant. Identifiers: MedGen C3149841, MONDO:0008263, OMIM 173900.

Submissions (3):

Women's Health and Genetics/Laboratory Corporation of America, LabCorp
Classification: Likely pathogenic for Polycystic kidney disease, adult type. Last evaluated: 2025-06-18. Review status: criteria provided, single submitter. Criteria: LabCorp Variant Classification Summary - May 2015. Collection method: clinical testing. Allele origin: germline.
Comment: Variant summary: PKD1 c.6499A>G (p.Asn2167Asp) results in a conservative amino acid change in the encoded protein sequence. Algorithms developed to predict the effect of missense changes on protein structure and function are either unavailable or do not agree on the potential impact of this missense change. The variant was absent in 178790 control chromosomes (gnomAD). c.6499A>G has been observed in the heterozygous state in at least 2 individuals affected with autosomal dominant Polycystic Kidney Disease 1 (example, Neumann_2013, Yu_2022) and it was also reported in the presumed compound heterozygous state with a proposed hypomorphic variant (inherited from unaffected heterozygous mother) in 1 individual with prenatal onset polycystic kidney disease (Mantovani_2020). These data indicate that the variant is likely to be associated with disease. To our knowledge, no experimental evidence demonstrating an impact on protein function has been reported. The following publications have been ascertained in the context of this evaluation (PMID: 32457805, 23300259, 35778421). ClinVar contains an entry for this variant (Variation ID: 1177302). Based on the evidence outlined above, the variant was classified as likely pathogenic.

Department of Pathology and Laboratory Medicine, Sinai Health System
Classification: Uncertain significance for Polycystic kidney disease, adult type. Last evaluated: 2021-08-25. Review status: criteria provided, single submitter. Criteria: ACMG Guidelines, 2015. Collection method: clinical testing. Allele origin: germline. Affected: yes.

Center for Human Genetics and Genomic Medicine, Uniklinik Rwth Aachen
Classification: Uncertain significance for Polycystic kidney disease, adult type. Last evaluated: 2021-07-08. Review status: criteria provided, single submitter. Criteria: ACMG Guidelines, 2015. Collection method: clinical testing. Allele origin: unknown. Inheritance: Autosomal dominant inheritance. Affected: yes. Observed: 1 variant allele, 1 heterozygote.
Comment: The change has not yet been reported in the renowned PKD mutation database (status 07/06/2021) or in the relevant databases dbSNP151, gnomAD, ClinVar (status 07/06/2021). In bioinformatics, the change is classified as â€œprobably disease-causingâ€ (PolyPhen2:, mutation button: MutationTaster, CADDphred 25.3). The variant is currently to be regarded as a "variant of uncertain significance" (ACMG criteria).

Literature cited by the submitters: PubMed 32457805 (cited by Women's Health and Genetics/Laboratory Corporation of America, LabCorp); PubMed 23300259 (cited by Women's Health and Genetics/Laboratory Corporation of America, LabCorp); PubMed 35778421 (cited by Women's Health and Genetics/Laboratory Corporation of America, LabCorp).